The following is an entry in ClinVar:

NM_025216.3(WNT10A):c.981G>A (p.Pro327=)

Gene: WNT10A (Wnt family member 10A; plus strand). Cytogenetic location: 2q35.
Variant type: single nucleotide variant.
Coding change: c.981G>A on transcript NM_025216.3 (MANE Select); coding-DNA position 981, G replaced by A.
Protein change: p.Pro327=; no amino-acid change (proline 327 retained).
Molecular consequence: synonymous variant.
Genome position (GRCh38, 1-based): chr2:218,892,998, G>A. VCF-style: chr2-218892998-G-A. GRCh37 (hg19) VCF-style: chr2-219757720-G-A.
Identifiers: ClinVar variation 2930675 (VCV002930675.19), dbSNP rs753905653, ClinGen allele CA431417081.
Genomic context (GRCh38, chr2:218,892,998, plus strand): 5'-CGGCCAGCTGGAGCCGGGCCCAGCGGGGGCACCCTCGCCGGCTCCGGGCGCTCCCGGGCC[G>A]CGCCGACGGGCCAGCCCCGCCGACCTGGTCTACTTCGAAAAGTCTCCCGACTTCTGCGAG-3'
Protein context (NP_079492.2, residues 317-337): APSPAPGAPG[Pro327=]RRRASPADLV

ClinVar aggregate classification (germline): Likely benign. Review status: criteria provided, multiple submitters, no conflicts (2 of 4 stars). 2 submissions from 2 submitters: Likely benign (2). Last evaluated 2024-08-01.

Conditions:
Tooth agenesis, selective, 4 (STHAG4). Also called: LATERAL INCISORS, ABSENCE OF; LATERAL INCISORS, PEGGED OR MISSING; SUCCEDANEOUS TEETH, AGENESIS OF; TOOTH AGENESIS, SELECTIVE, 4, WITH OR WITHOUT ECTODERMAL DYSPLASIA. Identifiers: Orphanet 99798, MedGen C1835492, MONDO:0007881, OMIM 150400. Disease mechanism: loss of function.
Odonto-onycho-dermal dysplasia. Identifiers: Orphanet 2721, MedGen C0796093, MONDO:0009773, OMIM 257980.

Submissions (2):

CeGaT Center for Human Genetics Tuebingen
Classification: Likely benign. Last evaluated: 2024-08-01. Review status: criteria provided, single submitter. Criteria: CeGaT Center For Human Genetics Tuebingen Variant Classification Criteria Version 2. Collection method: clinical testing. Allele origin: germline. Affected: yes. Observed: 1 variant allele.
Comment: WNT10A: PM2:Supporting, BP4, BP7

Labcorp Genetics (formerly Invitae), Labcorp
Classification: Likely benign for Tooth agenesis, selective, 4; Odonto-onycho-dermal dysplasia. Last evaluated: 2023-11-09. Review status: criteria provided, single submitter. Criteria: Invitae Variant Classification Sherloc (09022015). Collection method: clinical testing. Allele origin: germline.